The following is an entry in ClinVar:

ClinVar aggregate classification (germline): Uncertain significance (1 of 4 stars; one submission).

Submission:

GeneDx
Classification: Uncertain significance. Last evaluated: 2019-10-03. Review status: criteria provided, single submitter. Criteria: GeneDx Variant Classification Process June 2021. Collection method: clinical testing. Allele origin: germline. Affected: yes.
Comment: Not observed in large population cohorts (Lek et al., 2016); Has not been previously published as pathogenic or benign to our knowledge

NM_004993.6(ATXN3):c.916delinsCAGCAGCAGCAGCAGCAGC (p.Gly306delinsGlnGlnGlnGlnGlnGlnArg)

Gene: ATXN3 (ataxin 3; minus strand). Cytogenetic location: 14q32.12.
Variant type: Indel.
Coding change: c.916delinsCAGCAGCAGCAGCAGCAGC on transcript NM_004993.6 (MANE Select); coding-DNA position 916, G replaced by CAGCAGCAGCAGCAGCAGC.
Protein change: p.Gly306delinsGlnGlnGlnGlnGlnGlnArg.
Molecular consequence: inframe indel. On other transcripts: non-coding transcript variant (19).
Genome position (GRCh38, 1-based): chr14:92,071,010, C replaced by GCTGCTGCTGCTGCTGCTG on the plus strand (G replaced by CAGCAGCAGCAGCAGCAGC on the coding strand, the reverse complement: ATXN3 is on the minus strand). VCF-style: chr14-92071010-C-GCTGCTGCTGCTGCTGCTG. GRCh37 (hg19) VCF-style: chr14-92537354-C-GCTGCTGCTGCTGCTGCTG.
Other names: c.871delinsCAGCAGCAGCAGCAGCAGC, p.Gly291delinsGlnGlnGlnGlnGlnGlnArg (NM_001127696.2); c.763delinsCAGCAGCAGCAGCAGCAGC, p.Gly255delinsGlnGlnGlnGlnGlnGlnArg (NM_001127697.3); c.233delinsCAGCAGCAGCAGCAGCAGC, p.Gly78delinsAlaAlaAlaAlaAlaAlaAla (NM_001164774.2); c.278delinsCAGCAGCAGCAGCAGCAGC, p.Gly93delinsAlaAlaAlaAlaAlaAlaAla (NM_001164776.2); c.113delinsCAGCAGCAGCAGCAGCAGC, p.Gly38delinsAlaAlaAlaAlaAlaAlaAla (NM_001164777.2); c.431delinsCAGCAGCAGCAGCAGCAGC, p.Gly144delinsAlaAlaAlaAlaAlaAlaAla (NM_001164778.2); c.553delinsCAGCAGCAGCAGCAGCAGC, p.Gly185delinsGlnGlnGlnGlnGlnGlnArg (NM_001164779.2); c.379delinsCAGCAGCAGCAGCAGCAGC, p.Gly127delinsGlnGlnGlnGlnGlnGlnArg (NM_001164780.2); and 3 more.
Identifiers: ClinVar variation 1217546 (VCV001217546.3), dbSNP rs763541221, ClinGen allele CA2499222785.